The following is an entry in ClinVar:

ClinVar aggregate classification (germline): Uncertain significance. Review status: criteria provided, multiple submitters, no conflicts (2 of 4 stars). 2 submissions from 2 submitters: Uncertain significance (2). Last evaluated 2026-01-26.

Conditions:
IFT27-related disorder. Also called: IFT27-related condition.

Allele frequency attached by ClinVar (database versions not stated): gnomAD exomes below 0.00001; gnomAD 0.00001.
gnomAD v4.1: 2 of 1,594,748 alleles (0.00013%); highest among the groups gnomAD compares: Admixed American, 0.0034%; no homozygotes.

Submissions (2):

PreventionGenetics, part of Exact Sciences
Classification: Uncertain significance for IFT27-related condition. Last evaluated: 2026-01-26. Review status: criteria provided, single submitter. Criteria: ACMG Guidelines, 2015. Collection method: clinical testing. Allele origin: germline.
Comment: The IFT27 c.425T>C variant is predicted to result in the amino acid substitution p.Leu142Pro. To our knowledge, this variant has not been reported in the literature. This variant is reported in 0.0031% of alleles in individuals of Latino descent in gnomAD. At this time, the clinical significance of this variant is uncertain due to the absence of conclusive functional and genetic evidence.

Labcorp Genetics (formerly Invitae), Labcorp
Classification: Uncertain significance. Last evaluated: 2021-08-19. Review status: criteria provided, single submitter. Criteria: Invitae Variant Classification Sherloc (09022015). Collection method: clinical testing. Allele origin: germline.
Comment: This sequence change replaces leucine with proline at codon 142 of the IFT27 protein (p.Leu142Pro). The leucine residue is moderately conserved and there is a moderate physicochemical difference between leucine and proline. This variant is not present in population databases (ExAC no frequency). This variant has not been reported in the literature in individuals affected with IFT27-related conditions. Advanced modeling of protein sequence and biophysical properties (such as structural, functional, and spatial information, amino acid conservation, physicochemical variation, residue mobility, and thermodynamic stability) performed at Invitae indicates that this missense variant is not expected to disrupt IFT27 protein function. In summary, the available evidence is currently insufficient to determine the role of this variant in disease. Therefore, it has been classified as a Variant of Uncertain Significance.

NM_001177701.3(IFT27):c.428T>C (p.Leu143Pro)

Genes: CACNG2-DT (CACNG2 divergent transcript; plus strand), IFT27 (intraflagellar transport 27; minus strand). Cytogenetic location: 22q12.3.
Variant type: single nucleotide variant.
Coding change: c.428T>C on transcript NM_001177701.3 (MANE Select); coding-DNA position 428, T replaced by C.
Protein change: p.Leu143Pro; replaces leucine 143 with proline.
Molecular consequence: missense variant.
Genome position (GRCh38, 1-based): chr22:36,762,938, A>G on the plus strand (T>C on the coding strand, the complement: IFT27 is on the minus strand). VCF-style: chr22-36762938-A-G. GRCh37 (hg19) VCF-style: chr22-37158982-A-G.
Other names: c.425T>C (NM_006860.4); c.428T>C, p.Leu143Pro (NM_001363003.2); c.425T>C, p.Leu142Pro (NM_006860.5); short protein forms L142P, L143P.
Identifiers: ClinVar variation 1490032 (VCV001490032.4), dbSNP rs1429917517, ClinGen allele CA411381432.